The following is an entry in ClinVar:

ClinVar aggregate classification (germline): Uncertain significance (1 of 4 stars; one submission).

Conditions:
Hereditary cancer-predisposing syndrome. Also called: Hereditary neoplastic syndrome; Neoplastic Syndromes, Hereditary; Tumor predisposition; Hereditary Cancer Syndrome. Identifiers: Orphanet 140162, MedGen C0027672, MeSH D009386, MONDO:0015356.

Submission:

Ambry Genetics
Classification: Uncertain significance for Hereditary cancer-predisposing syndrome. Last evaluated: 2025-01-27. Review status: criteria provided, single submitter. Criteria: Ambry Variant Classification Scheme 2023. Collection method: clinical testing. Allele origin: germline.
Comment: The p.Q393R variant (also known as c.1178A>G), located in coding exon 7 of the DICER1 gene, results from an A to G substitution at nucleotide position 1178. The glutamine at codon 393 is replaced by arginine, an amino acid with highly similar properties. This amino acid position is conserved. In addition, the in silico prediction for this alteration is inconclusive. Based on the available evidence, the clinical significance of this variant remains unclear.

NM_177438.3(DICER1):c.1178A>G (p.Gln393Arg)

Gene: DICER1 (dicer 1, ribonuclease III; minus strand). Cytogenetic location: 14q32.13.
Variant type: single nucleotide variant.
Coding change: c.1178A>G on transcript NM_177438.3 (MANE Select); coding-DNA position 1178, A replaced by G.
Protein change: p.Gln393Arg; replaces glutamine 393 with arginine.
Molecular consequence: missense variant. On other transcripts: 5 prime UTR variant (1), non-coding transcript variant (6).
Genome position (GRCh38, 1-based): chr14:95,124,394, T>C on the plus strand (A>G on the coding strand, the complement: DICER1 is on the minus strand). VCF-style: chr14-95124394-T-C. GRCh37 (hg19) VCF-style: chr14-95590731-T-C.
Other names: c.1178A>G, p.Gln393Arg (NM_001195573.1, NM_001271282.3, NM_001291628.2 and 14 more transcripts); c.896A>G, p.Gln299Arg (NM_001395686.1); c.773A>G, p.Gln258Arg (NM_001395687.1, NM_001395688.1, NM_001395689.1 and 3 more transcripts); c.611A>G, p.Gln204Arg (NM_001395691.1); c.-391A>G (NM_001395697.1); short protein forms Q299R, Q393R, Q204R, Q258R.
Identifiers: ClinVar variation 3840017 (VCV003840017.1).